The following is an entry in ClinVar:

ClinVar aggregate classification (germline): Pathogenic (1 of 4 stars; one submission).

Conditions:
Neurofibromatosis, type 2 (SWNV). Also called: BILATERAL ACOUSTIC NEUROFIBROMATOSIS; SCHWANNOMATOSIS, VESTIBULAR; NF2-Related Schwannomatosis. Identifiers: Orphanet 637, MedGen C0027832, MONDO:0007039, OMIM 101000. Disease mechanism: loss of function.

Submission:

Labcorp Genetics (formerly Invitae), Labcorp
Classification: Pathogenic for Neurofibromatosis, type 2. Last evaluated: 2025-04-17. Review status: criteria provided, single submitter. Criteria: Invitae Variant Classification Sherloc (09022015). Collection method: clinical testing. Allele origin: germline.
Comment: This sequence change falls in intron 14 of the NF2 gene. It does not directly change the encoded amino acid sequence of the NF2 protein. RNA analysis indicates that this variant induces altered splicing and may result in an absent or altered protein product. This variant is not present in population databases (gnomAD no frequency). This variant has been observed in individual(s) with neurofibromatosis type 2 (internal data). ClinVar contains an entry for this variant (Variation ID: 1429536). Studies have shown that this variant results in activation of a cryptic splice site, and produces a non-functional protein and/or introduces a premature termination codon (internal data). For these reasons, this variant has been classified as Pathogenic.

NM_000268.4(NF2):c.1575-6C>A

Gene: NF2 (NF2, moesin-ezrin-radixin like (MERLIN) tumor suppressor; plus strand). Cytogenetic location: 22q12.2.
Variant type: single nucleotide variant.
Coding change: c.1575-6C>A on transcript NM_000268.4 (MANE Select); 6 bases into the intron before coding-DNA position 1575, C replaced by A.
Molecular consequence: intron variant.
Genome position (GRCh38, 1-based): chr22:29,681,433, C>A. VCF-style: chr22-29681433-C-A. GRCh37 (hg19) VCF-style: chr22-30077422-C-A.
Other names: c.1575-6C>A (NM_016418.5, NM_181832.3, NM_181825.3); c.448-13319C>A (NM_181833.3); c.1452-6C>A (NM_181829.3); c.1449-6C>A (NM_181828.3); c.1326-6C>A (NM_181830.3, NM_181831.3).
Identifiers: ClinVar variation 1429536 (VCV001429536.8), dbSNP rs1350177470, ClinGen allele CA2573157891.